The following is an entry in ClinVar:

NM_004304.5(ALK):c.4241G>A (p.Arg1414Lys)

Gene: ALK (ALK receptor tyrosine kinase; minus strand). Cytogenetic location: 2p23.2.
Variant type: single nucleotide variant.
Coding change: c.4241G>A on transcript NM_004304.5 (MANE Select); coding-DNA position 4241, G replaced by A.
Protein change: p.Arg1414Lys; replaces arginine 1414 with lysine.
Molecular consequence: missense variant.
Genome position (GRCh38, 1-based): chr2:29,193,846, C>T on the plus strand (G>A on the coding strand, the complement: ALK is on the minus strand). VCF-style: chr2-29193846-C-T. GRCh37 (hg19) VCF-style: chr2-29416712-C-T.
Other names: c.1037G>A, p.Arg346Lys (NM_001353765.2); short protein forms R1414K, R346K.
Identifiers: ClinVar variation 934485 (VCV000934485.11), dbSNP rs77762612, ClinGen allele CA1593611.

ClinVar aggregate classification (germline): Uncertain significance. Review status: criteria provided, multiple submitters, no conflicts (2 of 4 stars). 3 submissions from 3 submitters: Uncertain significance (3). Last evaluated 2025-04-03.

Conditions:
Hereditary cancer-predisposing syndrome. Also called: Tumor predisposition; Hereditary neoplastic syndrome; Neoplastic Syndromes, Hereditary; Hereditary Cancer Syndrome. Identifiers: Orphanet 140162, MedGen C0027672, MeSH D009386, MONDO:0015356.
Neuroblastoma, susceptibility to, 3. Also called: ALK-Related Neuroblastic Tumor Susceptibility. Identifiers: Orphanet 635, MedGen C2751681, MONDO:0013083, OMIM 613014.

Allele frequency attached by ClinVar (database versions not stated): ExAC 0.00001; gnomAD 0.00001; gnomAD exomes 0.00001; TOPMed 0.00001.
gnomAD v4.1: 6 of 1,612,864 alleles (0.00037%); highest among the groups gnomAD compares: African/African-American, 0.004%; no homozygotes.

Submissions (3):

Labcorp Genetics (formerly Invitae), Labcorp
Classification: Uncertain significance for Neuroblastoma, susceptibility to, 3. Last evaluated: 2025-04-03. Review status: criteria provided, single submitter. Criteria: Invitae Variant Classification Sherloc (09022015). Collection method: clinical testing. Allele origin: germline.
Comment: This sequence change replaces arginine, which is basic and polar, with lysine, which is basic and polar, at codon 1414 of the ALK protein (p.Arg1414Lys). This variant is present in population databases (rs77762612, gnomAD 0.01%). This variant has not been reported in the literature in individuals affected with ALK-related conditions. ClinVar contains an entry for this variant (Variation ID: 934485). An algorithm developed to predict the effect of missense changes on protein structure and function (PolyPhen-2) suggests that this variant is likely to be disruptive. In summary, the available evidence is currently insufficient to determine the role of this variant in disease. Therefore, it has been classified as a Variant of Uncertain Significance.

Ambry Genetics
Classification: Uncertain significance for Hereditary cancer-predisposing syndrome. Last evaluated: 2024-12-08. Review status: criteria provided, single submitter. Criteria: Ambry Variant Classification Scheme 2023. Collection method: clinical testing. Allele origin: germline.
Comment: The p.R1414K variant (also known as c.4241G>A), located in coding exon 29 of the ALK gene, results from a G to A substitution at nucleotide position 4241. The arginine at codon 1414 is replaced by lysine, an amino acid with highly similar properties. This amino acid position is conserved. In addition, the in silico prediction for this alteration is inconclusive. Since supporting evidence is limited at this time, the clinical significance of this alteration remains unclear.

Fulgent Genetics
Classification: Uncertain significance for Neuroblastoma, susceptibility to, 3. Last evaluated: 2021-07-27. Review status: criteria provided, single submitter. Criteria: ACMG Guidelines, 2015. Collection method: clinical testing. Allele origin: unknown.